The following is an entry in ClinVar:

ClinVar aggregate classification (germline): Uncertain significance. Review status: criteria provided, multiple submitters, no conflicts (2 of 4 stars). 3 submissions from 3 submitters: Uncertain significance (3). Last evaluated 2025-11-19.

Conditions:
RP1L1-related disorder. Also called: RP1L1-related condition.
Inborn genetic diseases. Identifiers: MedGen C0950123, MeSH D030342.

Submissions (3):

Ambry Genetics
Classification: Uncertain significance for Inborn genetic diseases. Last evaluated: 2025-11-19. Review status: criteria provided, single submitter. Criteria: Ambry Variant Classification Scheme 2023. Collection method: clinical testing. Allele origin: germline.

PreventionGenetics, part of Exact Sciences
Classification: Uncertain significance for RP1L1-related condition. Last evaluated: 2025-07-24. Review status: criteria provided, single submitter. Criteria: ACMG Guidelines, 2015. Collection method: clinical testing. Allele origin: germline.
Comment: The RP1L1 c.4817G>A variant is predicted to result in the amino acid substitution p.Arg1606His. To our knowledge, this variant has not been reported in the literature. This variant is reported in 0.0058% of alleles in individuals of Latino descent in gnomAD. At this time, the clinical significance of this variant is uncertain due to the absence of conclusive functional and genetic evidence.

Blueprint Genetics
Classification: Uncertain significance. Last evaluated: 2023-02-22. Review status: criteria provided, single submitter. Criteria: ACMG Guidelines, 2015. Collection method: clinical testing. Allele origin: germline.

NM_178857.6(RP1L1):c.4817G>A (p.Arg1606His)

Gene: RP1L1 (RP1 like 1). Cytogenetic location: 8p23.1.
Variant type: single nucleotide variant.
Coding change: c.4817G>A on transcript NM_178857.6 (MANE Select); coding-DNA position 4817, G replaced by A.
Protein change: p.Arg1606His; replaces arginine 1606 with histidine.
Molecular consequence: missense variant.
Genome position (GRCh38, 1-based): chr8:10,609,281, C>T on the plus strand (G>A on the coding strand, the complement: RP1L1 is on the minus strand). VCF-style: chr8-10609281-C-T. GRCh37 (hg19) VCF-style: chr8-10466791-C-T.
Other names: short protein forms R1606H.
Identifiers: ClinVar variation 4629352 (VCV004629352.3).
Genomic context (GRCh38, chr8:10,609,281, plus strand): 5'-AGGCCCAGGGTCCGCTCAGAGAAGGCCGAGAGGTTTCGCAGGCCCCGGAGACGGTGTCTG[C>T]GCTGCTGGGTCTGCAGGAGCAGCTCCCCGGTGAGGGCCTCCCTTGGAGGCTCCAGCACCA-3'
Protein context (NP_849188.4, residues 1596-1616): TGELLLQTQQ[Arg1606His]RHRLRGLRNL